The following is an entry in ClinVar:

NM_000228.3(LAMB3):c.1099del (p.Arg367fs)

Gene: LAMB3 (laminin subunit beta 3; minus strand). Cytogenetic location: 1q32.2.
Variant type: Deletion.
Coding change: c.1099del on transcript NM_000228.3 (MANE Select); coding-DNA position 1099, one base deleted (C; older notation c.1099delC).
Protein change: p.Arg367fs; shifts the reading frame from arginine 367.
Molecular consequence: frameshift variant.
Genome position (GRCh38, 1-based): chr1:209,629,770, G deleted on the plus strand (C on the coding strand, the reverse complement: LAMB3 is on the minus strand). VCF-style (leftmost placement, unchanged base first): chr1-209629769-CG-C. GRCh37 (hg19) VCF-style: chr1-209803114-CG-C.
Other names: c.1099del, p.Arg367fs (NM_001017402.2, NM_001127641.1); short protein forms R367fs.
Identifiers: ClinVar variation 5015296 (VCV005015296.1).

ClinVar aggregate classification (germline): Pathogenic (1 of 4 stars; one submission).

Conditions:
Junctional epidermolysis bullosa. Identifiers: Orphanet 305, MedGen C0079301, MONDO:0017612.

Submission:

Myriad Genetics, Inc.
Classification: Pathogenic for Junctional epidermolysis bullosa. Last evaluated: 2025-12-08. Review status: criteria provided, single submitter. Criteria: Myriad Autosomal Dominant, Autosomal Recessive and X-Linked Classification Criteria (2023). Collection method: clinical testing. Allele origin: unknown.
Comment: NM_000228.2(LAMB3):c.1099delC(R367Afs*29) is expected to be pathogenic in the context of junctional epidermolysis bullosa, LAMB3-related. This variant is predicted to lead to an abnormal or absent protein product due to the creation of a premature termination codon in LAMB3, a gene where loss-of-function variants are known to be pathogenic. Please note: this variant was assessed in the context of healthy population screening.